The following is an entry in ClinVar:

ClinVar aggregate classification (germline): Uncertain significance (1 of 4 stars; one submission).

Allele frequency attached by ClinVar (database versions not stated): ExAC 0.00001; gnomAD 0.00001; gnomAD exomes 0.00001; TOPMed 0.00002.

Submission:

Labcorp Genetics (formerly Invitae), Labcorp
Classification: Uncertain significance. Last evaluated: 2025-10-02. Review status: criteria provided, single submitter. Criteria: Invitae Variant Classification Sherloc (09022015). Collection method: clinical testing. Allele origin: germline.
Comment: This sequence change replaces histidine, which is basic and polar, with arginine, which is basic and polar, at codon 237 of the RBM48 protein (p.His237Arg). This variant is present in population databases (rs762799928, gnomAD 0.002%). This variant has not been reported in the literature in individuals affected with RBM48-related conditions. ClinVar contains an entry for this variant (Variation ID: 2417289). Invitae Evidence Modeling of protein sequence and biophysical properties (such as structural, functional, and spatial information, amino acid conservation, physicochemical variation, residue mobility, and thermodynamic stability) indicates that this missense variant is not expected to disrupt RBM48 protein function with a negative predictive value of 80%. In summary, the available evidence is currently insufficient to determine the role of this variant in disease. Therefore, it has been classified as a Variant of Uncertain Significance.

NM_032120.4(RBM48):c.710A>G (p.His237Arg)

Gene: RBM48 (RNA binding motif protein 48; plus strand). Cytogenetic location: 7q21.2.
Variant type: single nucleotide variant.
Coding change: c.710A>G on transcript NM_032120.4 (MANE Select); coding-DNA position 710, A replaced by G.
Protein change: p.His237Arg; replaces histidine 237 with arginine.
Molecular consequence: missense variant.
Genome position (GRCh38, 1-based): chr7:92,534,663, A>G. VCF-style: chr7-92534663-A-G. GRCh37 (hg19) VCF-style: chr7-92163977-A-G.
Other names: c.710A>G, p.His237Arg (NM_001363366.1); c.185A>G, p.His62Arg (NM_001363367.1); short protein forms H237R, H62R.
Identifiers: ClinVar variation 2417289 (VCV002417289.6), dbSNP rs762799928, ClinGen allele CA4341915.